The following is an entry in ClinVar:

NM_003705.5(SLC25A12):c.775C>T (p.Arg259Cys)

Gene: SLC25A12 (solute carrier family 25 member 12; minus strand). Cytogenetic location: 2q31.1.
Variant type: single nucleotide variant.
Coding change: c.775C>T on transcript NM_003705.5 (MANE Select); coding-DNA position 775, C replaced by T.
Protein change: p.Arg259Cys; replaces arginine 259 with cysteine.
Molecular consequence: missense variant. On other transcripts: non-coding transcript variant (1).
Genome position (GRCh38, 1-based): chr2:171,834,033, G>A on the plus strand (C>T on the coding strand, the complement: SLC25A12 is on the minus strand). VCF-style: chr2-171834033-G-A. GRCh37 (hg19) VCF-style: chr2-172690543-G-A.
Other names: c.775C>T (NM_003705.3); short protein forms R259C.
Identifiers: ClinVar variation 1016070 (VCV001016070.39), dbSNP rs775614655, ClinGen allele CA1966313.

ClinVar aggregate classification (germline): Uncertain significance. Review status: criteria provided, multiple submitters, no conflicts (2 of 4 stars). 3 submissions from 3 submitters: Uncertain significance (3). Last evaluated 2022-12-15.

Conditions:
Inborn genetic diseases. Identifiers: MedGen C0950123, MeSH D030342.

Allele frequency attached by ClinVar (database versions not stated): ExAC 0.00002; gnomAD 0.00002; gnomAD exomes 0.00002; TOPMed 0.00003.
gnomAD v4.1: 36 of 1,607,980 alleles (0.0022%); highest among the groups gnomAD compares: Non-Finnish European, 0.0026%; no homozygotes.

Submissions (3):

Ambry Genetics
Classification: Uncertain significance for Inborn genetic diseases. Last evaluated: 2022-12-15. Review status: criteria provided, single submitter. Criteria: Ambry Variant Classification Scheme 2023. Collection method: clinical testing. Allele origin: germline.

Labcorp Genetics (formerly Invitae), Labcorp
Classification: Uncertain significance. Last evaluated: 2022-07-19. Review status: criteria provided, single submitter. Criteria: Invitae Variant Classification Sherloc (09022015). Collection method: clinical testing. Allele origin: germline.
Comment: This sequence change replaces arginine, which is basic and polar, with cysteine, which is neutral and slightly polar, at codon 259 of the SLC25A12 protein (p.Arg259Cys). This variant is present in population databases (rs775614655, gnomAD 0.006%). This variant has not been reported in the literature in individuals affected with SLC25A12-related conditions. ClinVar contains an entry for this variant (Variation ID: 1016070). Algorithms developed to predict the effect of missense changes on protein structure and function are either unavailable or do not agree on the potential impact of this missense change (SIFT: "Deleterious"; PolyPhen-2: "Possibly Damaging"; Align-GVGD: "Class C0"). In summary, the available evidence is currently insufficient to determine the role of this variant in disease. Therefore, it has been classified as a Variant of Uncertain Significance.

CeGaT Center for Human Genetics Tuebingen
Classification: Uncertain significance. Last evaluated: 2021-11-01. Review status: criteria provided, single submitter. Criteria: CeGaT Center For Human Genetics Tuebingen Variant Classification Criteria Version 2. Collection method: clinical testing. Allele origin: germline. Affected: yes. Observed: 1 variant allele.